The following is an entry in ClinVar:

ClinVar aggregate classification (germline): Benign/Likely benign. Review status: criteria provided, multiple submitters, no conflicts (2 of 4 stars). 5 submissions from 4 submitters: Benign (3); Likely benign (2). Last evaluated 2022-03-15.

Conditions:
Fibromuscular dysplasia, multifocal. Identifiers: MedGen C5543412, MONDO:0859151, OMIM 619329.
Ehlers-Danlos syndrome, classic type (cEDS). Identifiers: Orphanet 287, MedGen C4225429, MONDO:0007522.
Ehlers-Danlos syndrome, classic type, 1 (EDSCL1). Also called: EHLERS-DANLOS SYNDROME, GRAVIS TYPE; EHLERS-DANLOS SYNDROME, SEVERE CLASSIC TYPE; Ehlers-Danlos Syndrome, Classic Type, COL5A1-Related; EDS I; Ehlers-Danlos syndrome, type 1. Identifiers: MedGen C0268335, MONDO:0019567, OMIM 130000.

Allele frequency attached by ClinVar (database versions not stated): 1000 Genomes Project 30x 0.00515; gnomAD 0.00635 and 0.00596; gnomAD exomes 0.00066; 1000 Genomes Project 0.00559; TOPMed 0.00646.
gnomAD v4.1: 1,200 of 549,874 alleles (0.22%); highest among the groups gnomAD compares: African/African-American, 2%; 7 homozygotes.

Submissions (5):

Genome-Nilou Lab
Classification: Benign for Ehlers-Danlos syndrome, classic type, 1. Last evaluated: 2022-03-15. Review status: criteria provided, single submitter. Criteria: ACMG Guidelines, 2015. Collection method: clinical testing. Allele origin: germline. Affected: no.

Genome-Nilou Lab
Classification: Benign for Fibromuscular dysplasia, multifocal. Last evaluated: 2022-03-15. Review status: criteria provided, single submitter. Criteria: ACMG Guidelines, 2015. Collection method: clinical testing. Allele origin: germline. Affected: no.

GeneDx
Classification: Likely benign. Last evaluated: 2018-08-03. Review status: criteria provided, single submitter. Criteria: GeneDx Variant Classification Process June 2021. Collection method: clinical testing. Allele origin: germline. Affected: yes.

Illumina Laboratory Services, Illumina
Classification: Benign for Ehlers-Danlos syndrome, classic type, 1. Last evaluated: 2018-01-12. Review status: criteria provided, single submitter. Criteria: ICSL Variant Classification Criteria 13 December 2019. Collection method: clinical testing. Allele origin: germline.
Comment: This variant was observed in the ICSL laboratory as part of a predisposition screen in an ostensibly healthy population. It had not been previously curated by ICSL or reported in the Human Gene Mutation Database (HGMD: prior to June 1st, 2018), and was therefore a candidate for classification through an automated scoring system. Utilizing variant allele frequency, disease prevalence and penetrance estimates, and inheritance mode, an automated score was calculated to assess if this variant is too frequent to cause the disease. Based on the score and internal cut-off values, a variant classified as benign is not then subjected to further curation. The score for this variant resulted in a classification of benign for this disease.

Breakthrough Genomics
Classification: Likely benign. Review status: criteria provided, single submitter. Criteria: ACMG Guidelines, 2015. Collection method: not provided. Allele origin: germline. Inheritance: Autosomal dominant inheritance. Affected: yes.

NM_000093.5(COL5A1):c.*283G>A

Genes: COL5A1 (collagen type V alpha 1 chain; plus strand), LOC101448202 (uncharacterized LOC101448202; minus strand). Cytogenetic location: 9q34.3.
Variant type: single nucleotide variant.
Coding change: c.*283G>A on transcript NM_000093.5 (MANE Select); 283 bases downstream of the stop codon, G replaced by A.
Molecular consequence: 3 prime UTR variant.
Genome position (GRCh38, 1-based): chr9:134,842,586, G>A. VCF-style: chr9-134842586-G-A. GRCh37 (hg19) VCF-style: chr9-137734432-G-A.
Other names: c.*283G>A (NM_001278074.1).
Identifiers: ClinVar variation 365748 (VCV000365748.11), dbSNP rs114171895, ClinGen allele CA10632910.